The following is an entry in ClinVar:

ClinVar aggregate classification (germline): Uncertain significance. Review status: criteria provided, multiple submitters, no conflicts (2 of 4 stars). 2 submissions from 2 submitters: Uncertain significance (2). Last evaluated 2023-12-29.

Conditions:
Hereditary cancer-predisposing syndrome. Also called: Neoplastic Syndromes, Hereditary; Hereditary Cancer Syndrome; Tumor predisposition; Hereditary neoplastic syndrome. Identifiers: Orphanet 140162, MedGen C0027672, MeSH D009386, MONDO:0015356.
Rhabdoid tumor predisposition syndrome 2 (RTPS2). Identifiers: Orphanet 231108, Orphanet 69077, MedGen C2750074, MONDO:0013224, OMIM 613325.

Submissions (2):

Ambry Genetics
Classification: Uncertain significance for Hereditary cancer-predisposing syndrome. Last evaluated: 2023-12-29. Review status: criteria provided, single submitter. Criteria: Ambry Variant Classification Scheme 2023. Collection method: clinical testing. Allele origin: germline.
Comment: The p.P1090S variant (also known as c.3268C>T), located in coding exon 23 of the SMARCA4 gene, results from a C to T substitution at nucleotide position 3268. The proline at codon 1090 is replaced by serine, an amino acid with similar properties. This amino acid position is highly conserved in available vertebrate species. In addition, the in silico prediction for this alteration is inconclusive. Since supporting evidence is limited at this time, the clinical significance of this alteration remains unclear.

Labcorp Genetics (formerly Invitae), Labcorp
Classification: Uncertain significance for Rhabdoid tumor predisposition syndrome 2. Last evaluated: 2021-06-08. Review status: criteria provided, single submitter. Criteria: Invitae Variant Classification Sherloc (09022015). Collection method: clinical testing. Allele origin: germline.
Comment: In summary, the available evidence is currently insufficient to determine the role of this variant in disease. Therefore, it has been classified as a Variant of Uncertain Significance. This sequence change replaces proline with serine at codon 1090 of the SMARCA4 protein (p.Pro1090Ser). The proline residue is highly conserved and there is a moderate physicochemical difference between proline and serine. This variant is not present in population databases (ExAC no frequency). This variant has not been reported in the literature in individuals with SMARCA4-related conditions. Algorithms developed to predict the effect of missense changes on protein structure and function (SIFT, PolyPhen-2, Align-GVGD) all suggest that this variant is likely to be disruptive, but these predictions have not been confirmed by published functional studies and their clinical significance is uncertain.

NM_003072.5(SMARCA4):c.3268C>T (p.Pro1090Ser)

Gene: SMARCA4 (SWI/SNF related BAF chromatin remodeling complex subunit ATPase 4; plus strand). Cytogenetic location: 19p13.2.
Variant type: single nucleotide variant.
Coding change: c.3268C>T on transcript NM_003072.5 (MANE Select); coding-DNA position 3268, C replaced by T.
Protein change: p.Pro1090Ser; replaces proline 1090 with serine.
Molecular consequence: missense variant. On other transcripts: non-coding transcript variant (1).
Genome position (GRCh38, 1-based): chr19:11,027,836, C>T. VCF-style: chr19-11027836-C-T. GRCh37 (hg19) VCF-style: chr19-11138512-C-T.
Other names: c.3268C>T (NM_001128849.1); c.3268C>T, p.Pro1090Ser (NM_001128844.3, NM_001128845.2, NM_001128846.2 and 5 more transcripts); short protein forms P1090S.
Identifiers: ClinVar variation 1472114 (VCV001472114.9), dbSNP rs2146542763, ClinGen allele CA404061440.